The following is an entry in ClinVar:

ClinVar aggregate classification (germline): Pathogenic. Review status: criteria provided, single submitter (1 of 4 stars). 4 submissions from 4 submitters: Pathogenic (1). 3 of the submissions do not count toward it. Last evaluated 2023-09-28.

Conditions:
Hereditary insensitivity to pain with anhidrosis (CIPA). Also called: HSAN Type IV; NTRK1 Congenital Insensitivity to Pain with Anhidrosis; FAMILIAL DYSAUTONOMIA, TYPE II; NEUROPATHY, CONGENITAL SENSORY, WITH ANHIDROSIS; hereditary sensory and autonomic neuropathy type 4; INSENSITIVITY TO PAIN, CONGENITAL, WITH ANHIDROSIS. Identifiers: Orphanet 642, MedGen C0020074, MONDO:0009746, OMIM 256800.

Allele frequency attached by ClinVar (database versions not stated): gnomAD exomes 0.00001.

Submissions (4):

Labcorp Genetics (formerly Invitae), Labcorp
Classification: Pathogenic for Hereditary insensitivity to pain with anhidrosis. Last evaluated: 2023-09-28. Review status: criteria provided, single submitter. Criteria: Invitae Variant Classification Sherloc (09022015). Collection method: clinical testing. Allele origin: germline.
Comment: For these reasons, this variant has been classified as Pathogenic. ClinVar contains an entry for this variant (Variation ID: 21305). This variant is also known as c.1726delC; c.1660delC (p.Arg554GlyfsX104). This premature translational stop signal has been observed in individual(s) with congenital insensitivity to pain (PMID: 8696348, 22032467). This variant is not present in population databases (gnomAD no frequency). This sequence change creates a premature translational stop signal (p.Arg548Glyfs*104) in the NTRK1 gene. It is expected to result in an absent or disrupted protein product. Loss-of-function variants in NTRK1 are known to be pathogenic (PMID: 10982191).

Department of Neurology and Geriatrics, Kagoshima University Graduate School of Medical and Dental Sciences
Classification: Pathogenic for Hereditary insensitivity to pain with anhidrosis. Last evaluated: 2021-11-16. Review status: no assertion criteria provided. Collection method: research. Allele origin: germline. Affected: yes. Not counted in ClinVar's aggregate classification.

OMIM
Classification: Pathogenic for INSENSITIVITY TO PAIN, CONGENITAL, WITH ANHIDROSIS. Last evaluated: 2001-12-01. Review status: no assertion criteria provided. Collection method: literature only. Allele origin: germline. Not counted in ClinVar's aggregate classification.

GeneReviews
No classification provided. Condition: Hereditary insensitivity to pain with anhidrosis. Review status: no classification provided. Collection method: literature only. Allele origin: germline. Not counted in ClinVar's aggregate classification.
Comment: Pathogenic variants common in Japanese population

Literature cited by the submitters: PubMed 8696348 (cited by Labcorp Genetics (formerly Invitae), Labcorp); PubMed 22032467 (cited by Labcorp Genetics (formerly Invitae), Labcorp); PubMed 10982191 (cited by Labcorp Genetics (formerly Invitae), Labcorp and OMIM); PubMed 11748840 (cited by OMIM and GeneReviews); PubMed 11071380 (cited by OMIM); NCBI Bookshelf NBK1769 (cited by GeneReviews).

NM_002529.4(NTRK1):c.1660del (p.Arg554fs)

Gene: NTRK1 (neurotrophic receptor tyrosine kinase 1; plus strand). Cytogenetic location: 1q23.1.
Variant type: Deletion.
Coding change: c.1660del on transcript NM_002529.4 (MANE Select); coding-DNA position 1660, one base deleted (C; older notation c.1660delC).
Protein change: p.Arg554fs; shifts the reading frame from arginine 554.
Molecular consequence: frameshift variant.
Genome position (GRCh38, 1-based): chr1:156,876,427, C deleted. VCF-style (leftmost placement, unchanged base first): chr1-156876426-TC-T. GRCh37 (hg19) VCF-style: chr1-156846218-TC-T.
Other names: c.1552del, p.Arg518fs (NM_001007792.1); c.1642del, p.Arg548fs (NM_001012331.2); c.1660delC (NM_002529.3); short protein forms R548fs, R518fs, R554fs.
Identifiers: ClinVar variation 21305 (VCV000021305.11), dbSNP rs80356675, ClinGen allele CA341875.